The following is an entry in ClinVar:

ClinVar aggregate classification (germline): Likely pathogenic (1 of 4 stars; one submission).

Submission:

Baylor Genetics
Classification: Likely pathogenic. Last evaluated: 2018-11-01. Review status: criteria provided, single submitter. Criteria: ACMG CNV Guidelines, 2011. Collection method: clinical testing. Allele origin: germline. Observed: 1 variant allele.

GRCh37/hg19 1q42.2-43(chr1:234546246-238716872)

Genes: LGALS8 (galectin 8; plus strand), LNCATV (lncRNA negative regulator of antiviral signaling; minus strand), ARID4B (AT-rich interaction domain 4B; minus strand), GPR137B (G protein-coupled receptor 137B; plus strand), IRF2BP2 (interferon regulatory factor 2 binding protein 2; minus strand) and 17 more. Cytogenetic location: 1q42.2-43.
Variant type: copy number loss.
Identifiers: ClinVar variation 625534 (VCV000625534.1).